The following is an entry in ClinVar:

NM_001042681.2(RERE):c.1902G>C (p.Lys634Asn)

Gene: RERE (arginine-glutamic acid dipeptide repeats; minus strand). Cytogenetic location: 1p36.23.
Variant type: single nucleotide variant.
Coding change: c.1902G>C on transcript NM_001042681.2 (MANE Select); coding-DNA position 1902, G replaced by C.
Protein change: p.Lys634Asn; replaces lysine 634 with asparagine.
Molecular consequence: missense variant.
Genome position (GRCh38, 1-based): chr1:8,362,683, C>G on the plus strand (G>C on the coding strand, the complement: RERE is on the minus strand). VCF-style: chr1-8362683-C-G. GRCh37 (hg19) VCF-style: chr1-8422743-C-G.
Other names: c.240G>C, p.Lys80Asn (NM_001042682.2); c.1902G>C, p.Lys634Asn (NM_012102.4); short protein forms K634N, K80N.
Identifiers: ClinVar variation 1311364 (VCV001311364.2), dbSNP rs1234776650, ClinGen allele CA338173755.
Genomic context (GRCh38, chr1:8,362,683, plus strand): 5'-AAACCAGTTTTAATGTGAGGGAGGGACAGAGTAGGCCCTACTATCCCCCCAGCACCTGAC[C>G]TTGGCCGACTTCTTCACTGTCTCTGCTTTACTGTCATTGCTGGAGGTACTGGCAGCGCTG-3'
Protein context (NP_001036146.1, residues 624-644): SKAETVKKSA[Lys634Asn]KVKEEASSPL

ClinVar aggregate classification (germline): Uncertain significance (1 of 4 stars; one submission).

Submission:

GeneDx
Classification: Uncertain significance. Last evaluated: 2019-12-16. Review status: criteria provided, single submitter. Criteria: GeneDx Variant Classification Process June 2021. Collection method: clinical testing. Allele origin: germline. Affected: yes.
Comment: Not observed in large population cohorts (Lek et al., 2016); Has not been previously published as pathogenic or benign to our knowledge; This variant neighbors an exon/intron boundary in a gene for which loss-of-function is not an established mechanism of disease and both in silico predictors and evolutionary conservation support a deleterious effect. In the absence of RNA/functional studies, the actual effect of this sequence change is unknown; In addition, in silico predictors and evolutionary conservation suggest the missense change may have a deleterious effect on the protein